The following is an entry in ClinVar:

ClinVar aggregate classification (germline): Uncertain significance (1 of 4 stars; one submission).

Conditions:
Diamond-Blackfan anemia. Also called: Blackfan Diamond syndrome; Aregenerative anemia chronic congenital; Red cell aplasia, pure hereditary; Congenital hypoplastic anemia; Aase syndrome. Identifiers: Orphanet 124, MedGen C1260899, MeSH D029503, MONDO:0015253, HP:0004810.

Submission:

Labcorp Genetics (formerly Invitae), Labcorp
Classification: Uncertain significance for Diamond-Blackfan anemia. Last evaluated: 2022-02-27. Review status: criteria provided, single submitter. Criteria: Invitae Variant Classification Sherloc (09022015). Collection method: clinical testing. Allele origin: germline.
Comment: This sequence change replaces alanine, which is neutral and non-polar, with glutamic acid, which is acidic and polar, at codon 285 of the RPL5 protein (p.Ala285Glu). This variant is not present in population databases (gnomAD no frequency). This variant has not been reported in the literature in individuals affected with RPL5-related conditions. Algorithms developed to predict the effect of missense changes on protein structure and function are either unavailable or do not agree on the potential impact of this missense change (SIFT: "Deleterious"; PolyPhen-2: "Probably Damaging"; Align-GVGD: "Class C0"). In summary, the available evidence is currently insufficient to determine the role of this variant in disease. Therefore, it has been classified as a Variant of Uncertain Significance.

NM_000969.5(RPL5):c.854C>A (p.Ala285Glu)

Genes: DIPK1A (divergent protein kinase domain 1A; minus strand), RPL5 (ribosomal protein L5; plus strand). Cytogenetic location: 1p22.1.
Variant type: single nucleotide variant.
Coding change: c.854C>A on transcript NM_000969.5 (MANE Select); coding-DNA position 854, C replaced by A.
Protein change: p.Ala285Glu; replaces alanine 285 with glutamic acid.
Molecular consequence: missense variant. On other transcripts: non-coding transcript variant (1), intron variant (1).
Genome position (GRCh38, 1-based): chr1:92,841,825, C>A. VCF-style: chr1-92841825-C-A. GRCh37 (hg19) VCF-style: chr1-93307382-C-A.
Other names: c.474+5358G>T (NM_001252273.2); short protein forms A285E.
Identifiers: ClinVar variation 2103970 (VCV002103970.4), dbSNP rs2524480592, ClinGen allele CA341244153.
Genomic context (GRCh38, chr1:92,841,825, plus strand): 5'-GGTGGAACCGTCCCAAAATGTCCCTTGCTCAGAAGAAGGATCGGGTAGCTCAAAAGAAGG[C>A]AAGCTTCCTCAGAGCTCAGGAGCGGGCTGCTGAGAGCTAAACCCAGCAATTTTCTATGAT-3'
Protein context (NP_000960.2, residues 275-295): QKKDRVAQKK[Ala285Glu]SFLRAQERAA